The following is an entry in ClinVar:

ClinVar aggregate classification (germline): Uncertain significance (1 of 4 stars; one submission).

Submission:

Medical Genetic Center, Changzhi Maternal and Child Health Care Hospital
Classification: Uncertain significance. Last evaluated: 2025-12-10. Review status: criteria provided, single submitter. Criteria: ACMG/ClinGen CNV Guidelines, 2019. Collection method: clinical testing. Allele origin: unknown.
Comment: DLST, MLH3 deletion

GRCh38/hg38 14q24.3(chr14:74738691-75455035)x1

Genes: ACYP1 (acylphosphatase 1; minus strand), DLST (dihydrolipoamide S-succinyltransferase; plus strand), EIF2B2 (eukaryotic translation initiation factor 2B subunit beta; plus strand), FOS (Fos proto-oncogene, AP-1 transcription factor subunit; plus strand), JDP2 (Jun dimerization protein 2; plus strand) and 45 more. Cytogenetic location: 14q24.3.
Variant type: copy number loss.
Change: copy number 1 (one copy instead of two) of chr14:74,738,691-75,455,035 (716.3 kb, GRCh38 coordinates, 1-based), cytogenetic band 14q24.3.
Identifiers: ClinVar variation 4796193 (VCV004796193.1).